The following is an entry in ClinVar:

ClinVar aggregate classification (germline): Uncertain significance (1 of 4 stars; one submission).

Conditions:
Hypercoagulability syndrome due to glycosylphosphatidylinositol deficiency (GPIBD1). Also called: GLYCOSYLPHOSPHATIDYLINOSITOL BIOSYNTHESIS DEFECT 1. Identifiers: Orphanet 83639, MedGen C5201145, MONDO:0012465, OMIM 610293.

Submission:

Labcorp Genetics (formerly Invitae), Labcorp
Classification: Uncertain significance for Hypercoagulability syndrome due to glycosylphosphatidylinositol deficiency. Last evaluated: 2023-11-06. Review status: criteria provided, single submitter. Criteria: Invitae Variant Classification Sherloc (09022015). Collection method: clinical testing. Allele origin: unknown.
Comment: A gross deletion of the genomic region encompassing the full coding sequence of the PIGM gene has been identified. The current clinical and genetic evidence is not sufficient to establish whether loss-of-function variants in PIGM cause disease. The boundaries of this event are unknown as they extend beyond the assayed region for this gene and therefore may encompass additional genes. This variant has not been reported in the literature in individuals affected with PIGM-related conditions. In summary, the available evidence is currently insufficient to determine the role of this variant in disease. Therefore, it has been classified as a Variant of Uncertain Significance.

NC_000001.10:g.(?_160000258)_(160001799_?)del

Gene: PIGM (phosphatidylinositol glycan anchor biosynthesis class M; minus strand). Cytogenetic location: 1q23.2.
Variant type: Deletion.
Identifiers: ClinVar variation 3247752 (VCV003247752.1).